The following is an entry in ClinVar:

NM_005732.4(RAD50):c.3826C>T (p.Leu1276Phe)

Genes: RAD50 (RAD50 double strand break repair protein; plus strand), TH2LCRR (T helper type 2 locus control region associated RNA; minus strand). Cytogenetic location: 5q31.1.
Variant type: single nucleotide variant.
Coding change: c.3826C>T on transcript NM_005732.4 (MANE Select); coding-DNA position 3826, C replaced by T.
Protein change: p.Leu1276Phe; replaces leucine 1276 with phenylalanine.
Molecular consequence: missense variant. On other transcripts: non-coding transcript variant (1).
Genome position (GRCh38, 1-based): chr5:132,642,251, C>T. VCF-style: chr5-132642251-C-T. GRCh37 (hg19) VCF-style: chr5-131977943-C-T.
Other names: short protein forms L1276F.
Identifiers: ClinVar variation 1735303 (VCV001735303.2), dbSNP rs1751741353, ClinGen allele CA360936703.

ClinVar aggregate classification (germline): Uncertain significance (1 of 4 stars; one submission).

Conditions:
Hereditary cancer-predisposing syndrome. Also called: Neoplastic Syndromes, Hereditary; Tumor predisposition; Hereditary Cancer Syndrome; Hereditary neoplastic syndrome. Identifiers: Orphanet 140162, MedGen C0027672, MeSH D009386, MONDO:0015356.

Submission:

Ambry Genetics
Classification: Uncertain significance for Hereditary cancer-predisposing syndrome. Last evaluated: 2017-11-01. Review status: criteria provided, single submitter. Criteria: Ambry Variant Classification Scheme 2023. Collection method: clinical testing. Allele origin: germline.
Comment: The p.L1276F variant (also known as c.3826C>T), located in coding exon 25 of the RAD50 gene, results from a C to T substitution at nucleotide position 3826. The leucine at codon 1276 is replaced by phenylalanine, an amino acid with highly similar properties. This amino acid position is highly conserved in available vertebrate species. In addition, this alteration is predicted to be deleterious by in silico analysis. Since supporting evidence is limited at this time, the clinical significance of this alteration remains unclear.